The following is an entry in ClinVar:

NM_006755.2(TALDO1):c.812T>C (p.Val271Ala)

Gene: TALDO1 (transaldolase 1; plus strand). Cytogenetic location: 11p15.5.
Variant type: single nucleotide variant.
Coding change: c.812T>C on transcript NM_006755.2 (MANE Select); coding-DNA position 812, T replaced by C.
Protein change: p.Val271Ala; replaces valine 271 with alanine.
Molecular consequence: missense variant.
Genome position (GRCh38, 1-based): chr11:763,921, T>C. VCF-style: chr11-763921-T-C. GRCh37 (hg19) VCF-style: chr11-763921-T-C.
Other names: short protein forms V271A.
Identifiers: ClinVar variation 2980675 (VCV002980675.3), dbSNP rs2494719884, ClinGen allele CA378937726.

ClinVar aggregate classification (germline): Uncertain significance (1 of 4 stars; one submission).

Submission:

Labcorp Genetics (formerly Invitae), Labcorp
Classification: Uncertain significance. Last evaluated: 2023-05-05. Review status: criteria provided, single submitter. Criteria: Invitae Variant Classification Sherloc (09022015). Collection method: clinical testing. Allele origin: germline.
Comment: This sequence change replaces valine, which is neutral and non-polar, with alanine, which is neutral and non-polar, at codon 271 of the TALDO1 protein (p.Val271Ala). In summary, the available evidence is currently insufficient to determine the role of this variant in disease. Therefore, it has been classified as a Variant of Uncertain Significance. Advanced modeling of protein sequence and biophysical properties (such as structural, functional, and spatial information, amino acid conservation, physicochemical variation, residue mobility, and thermodynamic stability) performed at Invitae indicates that this missense variant is not expected to disrupt TALDO1 protein function. This variant has not been reported in the literature in individuals affected with TALDO1-related conditions. This variant is not present in population databases (gnomAD no frequency).